The following is an entry in ClinVar:

NM_001184896.1(PHF8):c.-1A>C

Genes: PHF8 (PHD finger protein 8; minus strand), LOC130068319 (ATAC-STARR-seq lymphoblastoid active region 29669; plus strand). Cytogenetic location: Xp11.22.
Variant type: single nucleotide variant.
Coding change: c.-1A>C on transcript NM_001184896.1; 1 bases upstream of the start codon, A replaced by C.
Molecular consequence: 5 prime UTR variant.
Genome position (GRCh38, 1-based): chrX:54,044,891, T>G on the plus strand (A>C on the coding strand, the complement: PHF8 is on the minus strand). VCF-style: chrX-54044891-T-G. GRCh37 (hg19) VCF-style: chrX-54071324-T-G.
Other names: c.-1A>C (NM_001441096.1, NM_001441097.1, NM_001441098.1).
Identifiers: ClinVar variation 493526 (VCV000493526.41), dbSNP rs1016841317, ClinGen allele CA329927652.

ClinVar aggregate classification (germline): Likely benign (1 of 4 stars; one submission).

Allele frequency attached by ClinVar (database versions not stated): gnomAD 0.00001; TOPMed 0.00001; gnomAD exomes 0.00001.
gnomAD v4.1: 12 of 1,155,191 alleles (0.001%); highest among the groups gnomAD compares: Middle Eastern, 0.024%; no homozygotes.

Submission:

CeGaT Center for Human Genetics Tuebingen
Classification: Likely benign. Last evaluated: 2025-04-01. Review status: criteria provided, single submitter. Criteria: CeGaT Center For Human Genetics Tuebingen Variant Classification Criteria Version 2. Collection method: clinical testing. Allele origin: germline. Affected: yes. Observed: 2 variant alleles.
Comment: PHF8: BP4, BS2